The following is an entry in ClinVar:

ClinVar aggregate classification (germline): Uncertain significance (1 of 4 stars; one submission).

Conditions:
Cardiomyopathy (CMYO). Also called: Cardiomyopathies. Identifiers: Orphanet 167848, MedGen C0878544, MONDO:0004994, HP:0001638. Inheritance: Various modes of inheritance.

gnomAD v4.1: 1 of 1,614,096 alleles (0.000062%); highest among the groups gnomAD compares: Non-Finnish European, 0.000085%; no homozygotes.

Submission:

Color Diagnostics, LLC DBA Color Health
Classification: Uncertain significance for Cardiomyopathy. Last evaluated: 2025-09-05. Review status: criteria provided, single submitter. Criteria: ACMG Guidelines, 2015. Collection method: clinical testing. Allele origin: germline.
Comment: This missense variant replaces proline with arginine at codon 1025 of the DSG2 protein. Computational prediction is inconclusive regarding the impact of this variant on protein structure and function. To our knowledge, functional studies have not been reported for this variant. This variant has not been reported in individuals affected with DSG2-related disorders in the literature. This variant has not been identified in the general population by the Genome Aggregation Database (gnomAD). The available evidence is insufficient to determine the role of this variant in disease conclusively. Therefore, this variant is classified as a Variant of Uncertain Significance.

NM_001943.5(DSG2):c.3074C>G (p.Pro1025Arg)

Genes: DSG2 (desmoglein 2; plus strand), DSG2-AS1 (DSG2 antisense RNA 1; minus strand). Cytogenetic location: 18q12.1.
Variant type: single nucleotide variant.
Coding change: c.3074C>G on transcript NM_001943.5 (MANE Select); coding-DNA position 3074, C replaced by G.
Protein change: p.Pro1025Arg; replaces proline 1025 with arginine.
Molecular consequence: missense variant.
Genome position (GRCh38, 1-based): chr18:31,546,460, C>G. VCF-style: chr18-31546460-C-G. GRCh37 (hg19) VCF-style: chr18-29126423-C-G.
Other names: short protein forms P1025R.
Identifiers: ClinVar variation 4756448 (VCV004756448.1).
Genomic context (GRCh38, chr18:31,546,460, plus strand): 5'-CTCAGCATCTTCAAGATGTACCTTACGTCATGGTGAGGGAAAGAGAGAGCTTCCTTGCCC[C>G]CAGCTCAGGTGTGCAGCCTACTCTGGCCATGCCTAATATAGCAGTAGGACAGAATGTGAC-3'
Protein context (NP_001934.2, residues 1015-1035): MVRERESFLA[Pro1025Arg]SSGVQPTLAM